The following is an entry in ClinVar:

NC_000005.10:g.112707318C>G

Gene: APC (APC regulator of Wnt signaling pathway; plus strand). Cytogenetic location: 5q22.2.
Variant type: single nucleotide variant.
Genome position: GRCh38 VCF-style: chr5-112707318-C-G. GRCh37 (hg19) VCF-style: chr5-112043015-C-G.
Identifiers: ClinVar variation 469902 (VCV000469902.10), dbSNP rs931897682, ClinGen allele CA124924533.

ClinVar aggregate classification (germline): Uncertain significance (1 of 4 stars; one submission).

Conditions:
Familial adenomatous polyposis 1 (FAP1). Also called: FAMILIAL ADENOMATOUS POLYPOSIS 1, ATTENUATED; POLYPOSIS, ADENOMATOUS INTESTINAL. Identifiers: MedGen C2713442, MONDO:0021056, OMIM 175100. Disease mechanism: loss of function.

Allele frequency attached by ClinVar (database versions not stated): TOPMed below 0.00001; gnomAD 0.00001.

Submission:

Labcorp Genetics (formerly Invitae), Labcorp
Classification: Uncertain significance for Familial adenomatous polyposis 1. Last evaluated: 2026-01-05. Review status: criteria provided, single submitter. Criteria: Invitae Variant Classification Sherloc (09022015). Collection method: clinical testing. Allele origin: germline.
Comment: This variant occurs in a non-coding region of the APC gene. It does not change the encoded amino acid sequence of the APC protein. This variant is not present in population databases (gnomAD no frequency). This variant has not been reported in the literature in individuals affected with APC-related conditions. ClinVar contains an entry for this variant (Variation ID: 469902). Experimental studies and prediction algorithms are not available or were not evaluated, and the functional significance of this variant is currently unknown. In summary, the available evidence is currently insufficient to determine the role of this variant in disease. Therefore, it has been classified as a Variant of Uncertain Significance.